The following is an entry in ClinVar:

NM_172107.4(KCNQ2):c.1148+2T>G

Gene: KCNQ2 (potassium voltage-gated channel subfamily Q member 2; minus strand). Cytogenetic location: 20q13.33.
Variant type: single nucleotide variant.
Coding change: c.1148+2T>G on transcript NM_172107.4 (MANE Select); the canonical splice donor site of the intron after coding-DNA position 1148, T replaced by G.
Molecular consequence: splice donor variant. On other transcripts: intron variant (1).
Genome position (GRCh38, 1-based): chr20:63,431,338, A>C on the plus strand (T>G on the coding strand, the complement: KCNQ2 is on the minus strand). VCF-style: chr20-63431338-A-C. GRCh37 (hg19) VCF-style: chr20-62062691-A-C.
Other names: c.1118+2471T>G (NM_004518.6); c.1148+2T>G (NM_172108.5, NM_172106.3, NM_001382235.1).
Identifiers: ClinVar variation 21816 (VCV000021816.2), dbSNP rs118192221, ClinGen allele CA342550.
Genomic context (GRCh38, chr20:63,431,338, plus strand): 5'-AGTTCCAGACACAGAACTAGAACCACACACACACACAGGGCTTCTGTCCATGCATTTCCT[A>C]CCTGGAGGCCCCGTAGGTTTGAGTTTGCGAACTTTCAAGTGTTTCCACACACACAAAGGG-3'

ClinVar aggregate classification (germline): not provided (0 of 4 stars; one submission).

Conditions:
Seizures, benign familial neonatal, 1. Also called: Benign Neonatal Epilepsy 1; KCNQ2-Related Benign Familial Neonatal Epilepsy; KCNQ2-Related Self-Limited Familial Neonatal Epilepsy (SLFNE); Seizures, benign neonatal, 1. Identifiers: Orphanet 1949, MedGen C3149074, MONDO:0007365, OMIM 121200.

Submission:

GeneReviews
No classification provided. Condition: Seizures, benign familial neonatal, 1. Review status: no classification provided. Collection method: literature only. Allele origin: germline. Affected: yes.
Comment: BFNE (benign familial neonatal epilepsy)

Literature cited by the submitters: PubMed 10774989; NCBI Bookshelf NBK32534.